The following is an entry in ClinVar:

NM_013382.7(POMT2):c.716C>T (p.Ala239Val)

Gene: POMT2 (protein O-mannosyltransferase 2; minus strand). Cytogenetic location: 14q24.3.
Variant type: single nucleotide variant.
Coding change: c.716C>T on transcript NM_013382.7 (MANE Select); coding-DNA position 716, C replaced by T.
Protein change: p.Ala239Val; replaces alanine 239 with valine.
Molecular consequence: missense variant.
Genome position (GRCh38, 1-based): chr14:77,301,190, G>A on the plus strand (C>T on the coding strand, the complement: POMT2 is on the minus strand). VCF-style: chr14-77301190-G-A. GRCh37 (hg19) VCF-style: chr14-77767533-G-A.
Other names: short protein forms A239V.
Identifiers: ClinVar variation 3754411 (VCV003754411.2).
Genomic context (GRCh38, chr14:77,301,190, plus strand): 5'-GCAATGGTGTTCAGCCCCACTTGAAGGATGATAAAGAGGCCAACAAACTTGACCCCTAAA[G>A]CACCAGCAAGACTAACGCCAGTCAGGCTGAGCCAGAACCACCAGGGGGCAGAGAAGGGCC-3'
Protein context (NP_037514.2, residues 229-249): LSLTGVSLAG[Ala239Val]LGVKFVGLFI

ClinVar aggregate classification (germline): Uncertain significance (1 of 4 stars; one submission).

Conditions:
Muscular dystrophy-dystroglycanopathy (congenital with brain and eye anomalies), type A2. Also called: MUSCULAR DYSTROPHY-DYSTROGLYCANOPATHY (CONGENITAL WITH BRAIN AND EYE ANOMALIES), TYPE A, 2; WALKER-WARBURG SYNDROME OR MUSCLE-EYE-BRAIN DISEASE, POMT2-RELATED. Identifiers: Orphanet 588, Orphanet 899, MedGen C3150411, MONDO:0013154, OMIM 613150.
Autosomal recessive limb-girdle muscular dystrophy type 2N. Also called: MUSCULAR DYSTROPHY-DYSTROGLYCANOPATHY, LIMB-GIRDLE, POMT2-RELATED; Muscular dystrophy-dystroglycanopathy (limb-girdle), type C, 2. Identifiers: Orphanet 206559, MedGen C3150418, MONDO:0013162, OMIM 613158.
Muscular dystrophy-dystroglycanopathy (congenital with impaired intellectual development), type B, 2. Also called: MUSCULAR DYSTROPHY, CONGENITAL, POMT2-RELATED; Muscular dystrophy-dystroglycanopathy (congenital with intellectual disability), type B2. Identifiers: MedGen C3150416, MONDO:0013160, OMIM 613156.

gnomAD v4.1: 3 of 1,614,212 alleles (0.00019%); highest among the groups gnomAD compares: Non-Finnish European, 0.00017%; no homozygotes.

Submission:

Labcorp Genetics (formerly Invitae), Labcorp
Classification: Uncertain significance for Muscular dystrophy-dystroglycanopathy (congenital with impaired intellectual development), type B, 2; Muscular dystrophy-dystroglycanopathy (congenital with brain and eye anomalies), type A2; Autosomal recessive limb-girdle muscular dystrophy type 2N. Last evaluated: 2024-09-12. Review status: criteria provided, single submitter. Criteria: Invitae Variant Classification Sherloc (09022015). Collection method: clinical testing. Allele origin: germline.
Comment: This sequence change replaces alanine, which is neutral and non-polar, with valine, which is neutral and non-polar, at codon 239 of the POMT2 protein (p.Ala239Val). This variant is present in population databases (rs753115104, gnomAD 0.03%). This variant has not been reported in the literature in individuals affected with POMT2-related conditions. Invitae Evidence Modeling of protein sequence and biophysical properties (such as structural, functional, and spatial information, amino acid conservation, physicochemical variation, residue mobility, and thermodynamic stability) indicates that this missense variant is not expected to disrupt POMT2 protein function with a negative predictive value of 80%. In summary, the available evidence is currently insufficient to determine the role of this variant in disease. Therefore, it has been classified as a Variant of Uncertain Significance.